The following is an entry in ClinVar:

ClinVar aggregate classification (germline): Uncertain significance (1 of 4 stars; one submission).

Submission:

Labcorp Genetics (formerly Invitae), Labcorp
Classification: Uncertain significance. Last evaluated: 2022-11-22. Review status: criteria provided, single submitter. Criteria: Invitae Variant Classification Sherloc (09022015). Collection method: clinical testing. Allele origin: germline.
Comment: This sequence change falls in intron 56 of the COL7A1 gene. It does not directly change the encoded amino acid sequence of the COL7A1 protein. This variant is not present in population databases (gnomAD no frequency). This variant has not been reported in the literature in individuals affected with COL7A1-related conditions. ClinVar contains an entry for this variant (Variation ID: 1475672). Algorithms developed to predict the effect of sequence changes on RNA splicing suggest that this variant may disrupt the consensus splice site. In summary, the available evidence is currently insufficient to determine the role of this variant in disease. Therefore, it has been classified as a Variant of Uncertain Significance.

NM_000094.4(COL7A1):c.5125-7_5125-6insAGTGAGAAGTCATT

Gene: COL7A1 (collagen type VII alpha 1 chain; minus strand). Cytogenetic location: 3p21.31.
Variant type: Insertion.
Coding change: c.5125-7_5125-6insAGTGAGAAGTCATT on transcript NM_000094.4 (MANE Select); 7 bases into the intron before coding-DNA position 5125 through 6 bases into the intron before coding-DNA position 5125, AGTGAGAAGTCATT inserted.
Molecular consequence: intron variant.
Genome position: GRCh38 VCF-style: chr3-48579820-G-GAATGACTTCTCACT. GRCh37 (hg19) VCF-style: chr3-48617253-G-GAATGACTTCTCACT.
Identifiers: ClinVar variation 1475672 (VCV001475672.6), dbSNP rs2107701339, ClinGen allele CA2573137028.